The following is an entry in ClinVar:

NM_152564.5(VPS13B):c.74A>T (p.Asp25Val)

Gene: VPS13B (vacuolar protein sorting 13 homolog B; plus strand). Cytogenetic location: 8q22.2.
Variant type: single nucleotide variant.
Coding change: c.74A>T on transcript NM_152564.5 (MANE Select); coding-DNA position 74, A replaced by T.
Protein change: p.Asp25Val; replaces aspartic acid 25 with valine.
Molecular consequence: missense variant. On other transcripts: non-coding transcript variant (1).
Genome position (GRCh38, 1-based): chr8:99,013,862, A>T. VCF-style: chr8-99013862-A-T. GRCh37 (hg19) VCF-style: chr8-100026090-A-T.
Other names: c.74A>T, p.Asp25Val (NM_017890.5, NM_181661.3, NM_015243.3); short protein forms D25V.
Identifiers: ClinVar variation 971963 (VCV000971963.10), dbSNP rs1841449266, ClinGen allele CA371856222.

ClinVar aggregate classification (germline): Uncertain significance (1 of 4 stars; one submission).

Conditions:
Cohen syndrome (COH1). Also called: Cutis verticis gyrata, retinitis pigmentosa, and sensorineural deafness; PEPPER SYNDROME. Identifiers: Orphanet 193, MedGen C0265223, MONDO:0008999, OMIM 216550.

Submission:

Labcorp Genetics (formerly Invitae), Labcorp
Classification: Uncertain significance for Cohen syndrome. Last evaluated: 2022-08-23. Review status: criteria provided, single submitter. Criteria: Invitae Variant Classification Sherloc (09022015). Collection method: clinical testing. Allele origin: germline.
Comment: This sequence change replaces aspartic acid, which is acidic and polar, with valine, which is neutral and non-polar, at codon 25 of the VPS13B protein (p.Asp25Val). This variant is not present in population databases (gnomAD no frequency). This variant has not been reported in the literature in individuals affected with VPS13B-related conditions. ClinVar contains an entry for this variant (Variation ID: 971963). Algorithms developed to predict the effect of missense changes on protein structure and function are either unavailable or do not agree on the potential impact of this missense change (SIFT: "Not Available"; PolyPhen-2: "Probably Damaging"; Align-GVGD: "Not Available"). In summary, the available evidence is currently insufficient to determine the role of this variant in disease. Therefore, it has been classified as a Variant of Uncertain Significance.